The following is an entry in ClinVar:

NM_001267550.2(TTN):c.89094_89095insTCAAT (p.Thr29699fs)

Genes: TTN-AS1 (TTN antisense RNA 1; plus strand), TTN (titin; minus strand). Cytogenetic location: 2q31.2.
Variant type: Insertion.
Coding change: c.89094_89095insTCAAT on transcript NM_001267550.2 (MANE Select); coding-DNA positions 89094 to 89095, TCAAT inserted.
Protein change: p.Thr29699fs; shifts the reading frame from threonine 29699.
Molecular consequence: frameshift variant.
Genome position: GRCh38 VCF-style: chr2-178554016-T-TATTGA. GRCh37 (hg19) VCF-style: chr2-179418743-T-TATTGA.
Other names: c.84171_84172insTCAAT, p.Thr28058fs (NM_001256850.1); c.61899_61900insTCAAT, p.Thr20634fs (NM_003319.4); c.81390_81391insTCAAT, p.Thr27131fs (NM_133378.4); c.62274_62275insTCAAT, p.Thr20759fs (NM_133432.3); c.62475_62476insTCAAT, p.Thr20826fs (NM_133437.4); short protein forms T20634fs, T29699fs, T20759fs, T20826fs, T27131fs, T28058fs.
Identifiers: ClinVar variation 4787004 (VCV004787004.1).

ClinVar aggregate classification (germline): Likely pathogenic (1 of 4 stars; one submission).

Conditions:
Autosomal recessive limb-girdle muscular dystrophy type 2J (LGMDR10). Also called: Limb-girdle muscular dystrophy, type 2J; MUSCULAR DYSTROPHY, LIMB-GIRDLE, AUTOSOMAL RECESSIVE 10. Identifiers: Orphanet 140922, MedGen C1837342, MONDO:0012127, OMIM 608807.
Dilated cardiomyopathy 1G (CMD1G). Identifiers: Orphanet 154, MedGen C1858763, MONDO:0011400, OMIM 604145.

Submission:

Labcorp Genetics (formerly Invitae), Labcorp
Classification: Likely pathogenic for Dilated cardiomyopathy 1G; Autosomal recessive limb-girdle muscular dystrophy type 2J. Last evaluated: 2025-12-14. Review status: criteria provided, single submitter. Criteria: Invitae Variant Classification Sherloc (09022015). Collection method: clinical testing. Allele origin: germline.
Comment: This sequence change creates a premature translational stop signal (p.Thr29699Serfs*15) in the TTN gene. While this is not anticipated to result in nonsense mediated decay, it is expected to create a truncated TTN protein. This variant is not present in population databases (gnomAD no frequency). This variant has not been reported in the literature in individuals affected with TTN-related conditions. This variant is located in the A band of TTN (PMID: 25589632). Truncating variants in this region are significantly overrepresented in patients affected with dilated cardiomyopathy (PMID: 25589632). Truncating variants in this region have also been reported in individuals affected with autosomal recessive centronuclear myopathy (PMID: 23975875). In summary, the currently available evidence indicates that the variant is pathogenic, but additional data are needed to prove that conclusively. Therefore, this variant has been classified as Likely Pathogenic.

Literature cited by the submitters: PubMed 25589632; PubMed 23975875.